The following is an entry in ClinVar:

NM_001025616.3(ARHGAP24):c.1865G>A (p.Arg622His)

Gene: ARHGAP24 (Rho GTPase activating protein 24; plus strand). Cytogenetic location: 4q21.23.
Variant type: single nucleotide variant.
Coding change: c.1865G>A on transcript NM_001025616.3 (MANE Select); coding-DNA position 1865, G replaced by A.
Protein change: p.Arg622His; replaces arginine 622 with histidine.
Molecular consequence: missense variant.
Genome position (GRCh38, 1-based): chr4:85,995,519, G>A. VCF-style: chr4-85995519-G-A. GRCh37 (hg19) VCF-style: chr4-86916672-G-A.
Other names: c.1580G>A, p.Arg527His (NM_001042669.2); c.1610G>A, p.Arg537His (NM_001287805.2); c.1286G>A, p.Arg429His (NM_001346093.2); c.1586G>A, p.Arg529His (NM_031305.3); c.1865G>A (NM_001025616.2); short protein forms R622H, R429H, R529H, R537H, R527H.
Identifiers: ClinVar variation 2063581 (VCV002063581.6), dbSNP rs116199632, ClinGen allele CA2994810.
Genomic context (GRCh38, chr4:85,995,519, plus strand): 5'-CCCACCCCAGGGACTATGAAAGCAAAAGTGACCACAGGAGTGTGGGAGGTCGAAGTAGTC[G>A]TGCCACCAGTAGCAGTGACAACAGTGAGACATTTGTGGGCAACAGCAGCAGCAACCACAG-3'
Protein context (NP_001020787.2, residues 612-632): DHRSVGGRSS[Arg622His]ATSSSDNSET

ClinVar aggregate classification (germline): Likely benign. Review status: criteria provided, single submitter (1 of 4 stars). 2 submissions from 2 submitters: Likely benign (1). 1 of the submissions does not count toward it. Last evaluated 2025-07-06.

Conditions:
ARHGAP24-related disorder. Also called: ARHGAP24-related condition.

Allele frequency attached by ClinVar (database versions not stated): gnomAD exomes 0.00013; ExAC 0.00029; gnomAD 0.00056; 1000 Genomes Project 0.00060; ESP Exome Variant Server 0.00062; TOPMed 0.00062; 1000 Genomes Project 30x 0.00094.
gnomAD v4.1: 280 of 1,605,068 alleles (0.017%); highest among the groups gnomAD compares: East Asian, 0.19%; 1 homozygote.

Submissions (2):

Labcorp Genetics (formerly Invitae), Labcorp
Classification: Likely benign. Last evaluated: 2025-07-06. Review status: criteria provided, single submitter. Criteria: Invitae Variant Classification Sherloc (09022015). Collection method: clinical testing. Allele origin: germline.

PreventionGenetics, part of Exact Sciences
Classification: Likely benign for ARHGAP24-related condition. Last evaluated: 2024-02-25. Review status: no assertion criteria provided. Collection method: clinical testing. Allele origin: germline. Not counted in ClinVar's aggregate classification.
Comment: This variant is classified as likely benign based on ACMG/AMP sequence variant interpretation guidelines (Richards et al. 2015 PMID: 25741868, with internal and published modifications).